The following is an entry in ClinVar:

NM_006514.4(SCN10A):c.5376G>A (p.Leu1792=)

Gene: SCN10A (sodium voltage-gated channel alpha subunit 10; minus strand). Cytogenetic location: 3p22.2.
Variant type: single nucleotide variant.
Coding change: c.5376G>A on transcript NM_006514.4 (MANE Select); coding-DNA position 5376, G replaced by A.
Protein change: p.Leu1792=; no amino-acid change (leucine 1792 retained).
Molecular consequence: synonymous variant.
Genome position (GRCh38, 1-based): chr3:38,697,844, C>T on the plus strand (G>A on the coding strand, the complement: SCN10A is on the minus strand). VCF-style: chr3-38697844-C-T. GRCh37 (hg19) VCF-style: chr3-38739335-C-T.
Other names: c.5373G>A, p.Leu1791= (NM_001293306.2); c.5082G>A, p.Leu1694= (NM_001293307.2).
Identifiers: ClinVar variation 655131 (VCV000655131.6), dbSNP rs1488076050, ClinGen allele CA433333952.

ClinVar aggregate classification (germline): Likely benign. Review status: criteria provided, multiple submitters, no conflicts (2 of 4 stars). 2 submissions from 2 submitters: Likely benign (2). Last evaluated 2024-02-24.

Conditions:
Brugada syndrome. Also called: Sudden unexplained nocturnal death syndrome; Sudden Unexplained Death Syndrome; Sudden Unexplained Nocturnal Death Syndrome (SUNDS); Sudden unexpected nocturnal death syndrome. Identifiers: Orphanet 130, MedGen C1142166, MONDO:0015263.

Allele frequency attached by ClinVar (database versions not stated): TOPMed below 0.00001.
gnomAD v4.1: 4 of 1,614,062 alleles (0.00025%); highest among the groups gnomAD compares: Non-Finnish European, 0.00034%; no homozygotes.

Submissions (2):

Labcorp Genetics (formerly Invitae), Labcorp
Classification: Likely benign for Brugada syndrome. Last evaluated: 2024-02-24. Review status: criteria provided, single submitter. Criteria: Invitae Variant Classification Sherloc (09022015). Collection method: clinical testing. Allele origin: germline.

GeneDx
Classification: Likely benign. Last evaluated: 2018-05-02. Review status: criteria provided, single submitter. Criteria: GeneDx Variant Classification (06012015). Collection method: clinical testing. Allele origin: germline. Affected: yes.
Comment: This variant is considered likely benign or benign based on one or more of the following criteria: it is a conservative change, it occurs at a poorly conserved position in the protein, it is predicted to be benign by multiple in silico algorithms, and/or has population frequency not consistent with disease.